The following is an entry in ClinVar:

NM_003331.5(TYK2):c.16T>A (p.Trp6Arg)

Gene: TYK2 (tyrosine kinase 2; minus strand). Cytogenetic location: 19p13.2.
Variant type: single nucleotide variant.
Coding change: c.16T>A on transcript NM_003331.5 (MANE Select); coding-DNA position 16, T replaced by A.
Protein change: p.Trp6Arg; replaces tryptophan 6 with arginine.
Molecular consequence: missense variant.
Genome position (GRCh38, 1-based): chr19:10,378,391, A>T on the plus strand (T>A on the coding strand, the complement: TYK2 is on the minus strand). VCF-style: chr19-10378391-A-T. GRCh37 (hg19) VCF-style: chr19-10489067-A-T.
Other names: c.16T>A, p.Trp6Arg (NM_001385197.1, NM_001385198.1, NM_001385199.1 and 8 more transcripts); short protein forms W6R.
Identifiers: ClinVar variation 1427396 (VCV001427396.8), dbSNP rs533026972, ClinGen allele CA9193903.

ClinVar aggregate classification (germline): Uncertain significance (1 of 4 stars; one submission).

Conditions:
Immunodeficiency 35 (IMD35). Also called: TYK2 DEFICIENCY; Susceptibility to infection due to TYK2 deficiency; HIES WITH ATYPICAL MYCOBACTERIOSIS, AUTOSOMAL RECESSIVE; HYPER-IgE SYNDROME WITH ATYPICAL MYCOBACTERIOSIS, AUTOSOMAL RECESSIVE. Identifiers: Orphanet 331226, MedGen C1969086, MONDO:0012682, OMIM 611521.

Allele frequency attached by ClinVar (database versions not stated): ExAC 0.00001; gnomAD 0.00001; 1000 Genomes Project 30x 0.00016; 1000 Genomes Project 0.00020.
gnomAD v4.1: 1 of 1,611,030 alleles (0.000062%); highest among the groups gnomAD compares: Admixed American, 0.0017%; no homozygotes.

Submission:

Labcorp Genetics (formerly Invitae), Labcorp
Classification: Uncertain significance for Immunodeficiency 35. Last evaluated: 2024-02-24. Review status: criteria provided, single submitter. Criteria: Invitae Variant Classification Sherloc (09022015). Collection method: clinical testing. Allele origin: germline.
Comment: This sequence change replaces tryptophan, which is neutral and slightly polar, with arginine, which is basic and polar, at codon 6 of the TYK2 protein (p.Trp6Arg). This variant is present in population databases (rs533026972, gnomAD 0.003%). This variant has not been reported in the literature in individuals affected with TYK2-related conditions. ClinVar contains an entry for this variant (Variation ID: 1427396). Algorithms developed to predict the effect of missense changes on protein structure and function output the following: SIFT: "Not Available"; PolyPhen-2: "Benign"; Align-GVGD: "Not Available". The arginine amino acid residue is found in multiple mammalian species, which suggests that this missense change does not adversely affect protein function. In summary, the available evidence is currently insufficient to determine the role of this variant in disease. Therefore, it has been classified as a Variant of Uncertain Significance.